The following is an entry in ClinVar:

ClinVar aggregate classification (germline): Uncertain significance (1 of 4 stars; one submission).

Conditions:
IGF1R-related disorder. Also called: IGF1R-related condition.

Allele frequency attached by ClinVar (database versions not stated): gnomAD exomes below 0.00001.

Submission:

PreventionGenetics, part of Exact Sciences
Classification: Uncertain significance for IGF1R-related condition. Last evaluated: 2022-09-16. Review status: criteria provided, single submitter. Criteria: ACMG Guidelines, 2015. Collection method: clinical testing. Allele origin: germline.
Comment: The IGF1R c.1486A>G variant is predicted to result in the amino acid substitution p.Thr496Ala. To our knowledge, this variant has not been reported in the literature or in a large population database, indicating this variant is rare. At this time, the clinical significance of this variant is uncertain due to the absence of conclusive functional and genetic evidence.

NM_000875.5(IGF1R):c.1486A>G (p.Thr496Ala)

Gene: IGF1R (insulin like growth factor 1 receptor; plus strand). Cytogenetic location: 15q26.3.
Variant type: single nucleotide variant.
Coding change: c.1486A>G on transcript NM_000875.5 (MANE Select); coding-DNA position 1486, A replaced by G.
Protein change: p.Thr496Ala; replaces threonine 496 with alanine.
Molecular consequence: missense variant.
Genome position (GRCh38, 1-based): chr15:98,911,338, A>G. VCF-style: chr15-98911338-A-G. GRCh37 (hg19) VCF-style: chr15-99454567-A-G.
Other names: c.1486A>G, p.Thr496Ala (NM_001291858.2); short protein forms T496A.
Identifiers: ClinVar variation 2628433 (VCV002628433.1), dbSNP rs1596438511, ClinGen allele CA393677864.